The following is an entry in ClinVar:

NM_000092.5(COL4A4):c.71+3G>T

Gene: COL4A4 (collagen type IV alpha 4 chain; minus strand). Cytogenetic location: 2q36.3.
Variant type: single nucleotide variant.
Coding change: c.71+3G>T on transcript NM_000092.5 (MANE Select); 3 bases into the intron after coding-DNA position 71, G replaced by T.
Molecular consequence: intron variant.
Genome position (GRCh38, 1-based): chr2:227,147,410, C>A on the plus strand (G>T on the coding strand, the complement: COL4A4 is on the minus strand). VCF-style: chr2-227147410-C-A. GRCh37 (hg19) VCF-style: chr2-228012126-C-A.
Identifiers: ClinVar variation 4689058 (VCV004689058.2).
Genomic context (GRCh38, chr2:227,147,410, plus strand): 5'-ATAGAACAAACATTGAGTAGAAATTACTAAATAAAAGCAGGCAATCACACTGAGGATACT[C>A]ACCAGGGACCTGTGGCCAAGGACTTGGTCAATCTGAAGGAGCACCTCATTAGTACTATGT-3'

ClinVar aggregate classification (germline): Uncertain significance. Review status: criteria provided, multiple submitters, no conflicts (2 of 4 stars). 2 submissions from 2 submitters: Uncertain significance (2). Last evaluated 2026-05-26.

Conditions:
Autosomal recessive Alport syndrome (ATS2). Also called: COL4A4 Alport Syndrome and Thin Basement Membrane Nephropathy; ALPORT SYNDROME 2, AUTOSOMAL RECESSIVE; Alport syndrome type 2; COL4A3-Related Nephropathy. Identifiers: Orphanet 63, Orphanet 88919, MedGen C4746745, MONDO:0008762, OMIM 203780.

gnomAD v4.1: 11 of 1,613,158 alleles (0.00068%); highest among the groups gnomAD compares: South Asian, 0.012%; no homozygotes.

Submissions (2):

Genetics laboratory, Institute of Kidney Diseases & Research Centre Dr. H.L. Trivedi Institute Of Transplantation Sciences
Classification: Uncertain significance for Autosomal recessive Alport syndrome. Last evaluated: 2026-05-26. Review status: criteria provided, single submitter. Criteria: ACMG Guidelines, 2015. Collection method: clinical testing. Allele origin: germline. Inheritance: Autosomal dominant inheritance. Affected: yes. Observed: 1 variant allele, 1 heterozygote.
Comment: A heterozygous intronic splice-region variant, c.71+3G>T, was identified in the COL4A4 gene. The variant is located at the +3 position of the donor splice site and may affect normal RNA splicing; however, there is currently insufficient evidence to confirm a deleterious effect on transcript processing. No well-established functional RNA studies or sufficient clinical evidence are available for this variant. Therefore, according to ACMG/AMP guidelines, it is classified as a Variant of Uncertain Significance (VUS).

Women's Health and Genetics/Laboratory Corporation of America, LabCorp
Classification: Uncertain significance. Last evaluated: 2026-01-22. Review status: criteria provided, single submitter. Criteria: LabCorp Variant Classification Summary - May 2015. Collection method: clinical testing. Allele origin: germline.